The following is an entry in ClinVar:

ClinVar aggregate classification (germline): Pathogenic (1 of 4 stars; one submission).

Conditions:
Glycogen storage disease, type II (IOPD). Also called: Pompe Disease; CARDIOMEGALIA GLYCOGENICA DIFFUSA; GLYCOGENOSIS, GENERALIZED, CARDIAC FORM; GSD II; POMPE DISEASE, INFANTILE-ONSET; GLYCOGEN STORAGE DISEASE II, INFANTILE-ONSET. Identifiers: Orphanet 365, MedGen C0017921, MONDO:0009290, OMIM 232300.

Submission:

Genomenon, Inc
Classification: Pathogenic for Glycogen storage disease, type II. Last evaluated: 2026-07-01. Review status: criteria provided, single submitter. Criteria: Genomenon Sequence Variant Interpretation Standards - Updated. Collection method: curation. Allele origin: germline. Affected: yes.
Comment: GAA p.Pro793HisfsTer14 (c.2377_2378insAC) is a frameshift variant that is predicted to introduce a premature termination codon and result in a truncated or absent protein product. This variant has been observed in at least one proband with a GAA-related disorder (PMID:28394184). It is absent or not present at a significant frequency in gnomAD. In conclusion, we classify GAA p.Pro793HisfsTer14 (c.2377_2378insAC) as a pathogenic variant.

Literature cited by the submitters: PubMed 28394184.

NM_000152.5(GAA):c.2377_2378insAC (p.Pro793fs)

Gene: GAA (alpha glucosidase; plus strand). Cytogenetic location: 17q25.3.
Variant type: Insertion.
Coding change: c.2377_2378insAC on transcript NM_000152.5 (MANE Select); coding-DNA positions 2377 to 2378, AC inserted.
Protein change: p.Pro793fs; shifts the reading frame from proline 793.
Molecular consequence: frameshift variant.
Genome position: GRCh38 VCF-style: chr17-80117644-T-TCA. GRCh37 (hg19) VCF-style: chr17-78091443-T-TCA.
Other names: c.2377_2378insAC, p.Pro793fs (NM_001079803.3, NM_001079804.3, NM_001406741.1 and 1 more transcripts); short protein forms P793fs.
Identifiers: ClinVar variation 4876641 (VCV004876641.1).
Genomic context (GRCh38, chr17:80,117,644, plus strand): 5'-CAACATCTCCCTCCAGGTGCCAGTAGAGGCCCTTGGCAGCCTCCCACCCCCACCTGCAGC[T>TCA]CCCCGTGAGCCAGCCATCCACAGCGAGGGGCAGTGGGTGACGCTGCCGGCCCCCCTGGAC-3'